The following is an entry in ClinVar:

ClinVar aggregate classification (germline): Uncertain significance. Review status: criteria provided, multiple submitters, no conflicts (2 of 4 stars). 4 submissions from 4 submitters: Uncertain significance (4). Last evaluated 2025-11-03.

Allele frequency attached by ClinVar (database versions not stated): ESP Exome Variant Server 0.00008; ExAC 0.00012; gnomAD 0.00013; TOPMed 0.00014.
gnomAD v4.1: 266 of 1,613,532 alleles (0.016%); highest among the groups gnomAD compares: Admixed American, 0.033%; no homozygotes.

Submissions (4):

Women's Health and Genetics/Laboratory Corporation of America, LabCorp
Classification: Uncertain significance. Last evaluated: 2025-11-03. Review status: criteria provided, single submitter. Criteria: LabCorp Variant Classification Summary - May 2015. Collection method: clinical testing. Allele origin: germline.
Comment: Variant summary: ARHGEF10 c.3475G>A (p.Val1159Met) results in a conservative amino acid change in the encoded protein sequence. Algorithms developed to predict the effect of missense changes on protein structure and function are either unavailable or do not agree on the potential impact of this missense change. The variant allele was found at a frequency of 0.00011 in 251118 control chromosomes. This frequency is not significantly higher than estimated for disease-causing variants in ARHGEF10, allowing no conclusion about variant significance. To our knowledge, no occurrence of c.3475G>A in individuals affected with ARHGEF10-related conditions and no experimental evidence demonstrating its impact on protein function have been reported. ClinVar contains an entry for this variant (Variation ID: 1163014). Based on the evidence outlined above, the variant was classified as uncertain significance.

Labcorp Genetics (formerly Invitae), Labcorp
Classification: Uncertain significance. Last evaluated: 2025-08-12. Review status: criteria provided, single submitter. Criteria: Invitae Variant Classification Sherloc (09022015). Collection method: clinical testing. Allele origin: germline.
Comment: This sequence change replaces valine, which is neutral and non-polar, with methionine, which is neutral and non-polar, at codon 1159 of the ARHGEF10 protein (p.Val1159Met). This variant is present in population databases (rs370742932, gnomAD 0.05%). This variant has not been reported in the literature in individuals affected with ARHGEF10-related conditions. ClinVar contains an entry for this variant (Variation ID: 1163014). Invitae Evidence Modeling of protein sequence and biophysical properties (such as structural, functional, and spatial information, amino acid conservation, physicochemical variation, residue mobility, and thermodynamic stability) indicates that this missense variant is not expected to disrupt ARHGEF10 protein function with a negative predictive value of 80%. In summary, the available evidence is currently insufficient to determine the role of this variant in disease. Therefore, it has been classified as a Variant of Uncertain Significance.

Ambry Genetics
Classification: Uncertain significance. Last evaluated: 2025-02-25. Review status: criteria provided, single submitter. Criteria: Ambry Variant Classification Scheme 2023. Collection method: clinical testing. Allele origin: germline.

Mayo Clinic Laboratories, Mayo Clinic
Classification: Uncertain significance. Last evaluated: 2021-03-31. Review status: criteria provided, single submitter. Criteria: ACMG Guidelines, 2015. Collection method: clinical testing. Allele origin: germline.

NM_014629.4(ARHGEF10):c.3475G>A (p.Val1159Met)

Gene: ARHGEF10 (Rho guanine nucleotide exchange factor 10; plus strand). Cytogenetic location: 8p23.3.
Variant type: single nucleotide variant.
Coding change: c.3475G>A on transcript NM_014629.4 (MANE Select); coding-DNA position 3475, G replaced by A.
Protein change: p.Val1159Met; replaces valine 1159 with methionine.
Molecular consequence: missense variant.
Genome position (GRCh38, 1-based): chr8:1,952,782, G>A. VCF-style: chr8-1952782-G-A. GRCh37 (hg19) VCF-style: chr8-1900948-G-A.
Other names: c.3361G>A, p.Val1121Met (NM_001308152.2); c.3475G>A, p.Val1159Met (NM_001308153.3); short protein forms V1121M, V1159M, V1183M.
Identifiers: ClinVar variation 1163014 (VCV001163014.17), dbSNP rs370742932, ClinGen allele CA4601387.